The following is an entry in ClinVar:

ClinVar aggregate classification (germline): Uncertain significance. Review status: criteria provided, single submitter (1 of 4 stars). 2 submissions from 2 submitters: Uncertain significance (1). 1 of the submissions does not count toward it. Last evaluated 2024-03-05.

Conditions:
GNE myopathy (NM). Also called: MYOPATHY, DISTAL, WITH OR WITHOUT RIMMED VACUOLES; INCLUSION BODY MYOPATHY, HEREDITARY, AUTOSOMAL RECESSIVE; INCLUSION BODY MYOPATHY 2, AUTOSOMAL RECESSIVE; IBM 2; Inclusion body myopathy autosomal recessive; Inclusion body myopathy quadriceps sparing. Identifiers: Orphanet 602, MedGen C1853926, MONDO:0011603, OMIM 605820.

Submissions (2):

Women's Health and Genetics/Laboratory Corporation of America, LabCorp
Classification: Uncertain significance. Last evaluated: 2024-03-05. Review status: criteria provided, single submitter. Criteria: LabCorp Variant Classification Summary - May 2015. Collection method: clinical testing. Allele origin: germline.
Comment: Variant summary: GNE c.1132_1135delinsA (p.Leu378_His379delinsAsn) results in an in-frame deletion-insertion that is predicted to delete two and insert one amino acids from the protein and also cause changes in two amino acids. The variant was absent in 251446 control chromosomes. The available data on variant occurrences in the general population are insufficient to allow any conclusion about variant significance. c.1132_1135delinsA has been reported in the literature in individuals affected with Inclusion Body Myopathy 2 (Fisher_2006). These report(s) do not provide unequivocal conclusions about association of the variant with Inclusion Body Myopathy 2. To our knowledge, no experimental evidence demonstrating an impact on protein function has been reported. The following publication have been ascertained in the context of this evaluation (PMID: 19078806). ClinVar contains an entry for this variant (Variation ID: 558730). Based on the evidence outlined above, the variant was classified as uncertain significance.

Counsyl
Classification: Uncertain significance for GNE myopathy. Last evaluated: 2018-06-07. Review status: no assertion criteria provided. Collection method: clinical testing. Allele origin: unknown. Not counted in ClinVar's aggregate classification.

Literature cited by the submitters: PubMed 19078806 (cited by Women's Health and Genetics/Laboratory Corporation of America, LabCorp and Counsyl).

NM_005476.7(GNE):c.1039_1042delinsA (p.Leu347_His348delinsAsn)

Gene: GNE (glucosamine (UDP-N-acetyl)-2-epimerase/N-acetylmannosamine kinase; minus strand). Cytogenetic location: 9p13.3.
Variant type: Indel.
Coding change: c.1039_1042delinsA on transcript NM_005476.7 (MANE Select); coding-DNA positions 1039 to 1042, CTGC replaced by A.
Protein change: p.Leu347_His348delinsAsn.
Molecular consequence: inframe indel.
Genome position (GRCh38, 1-based): chr9:36,229,049-36,229,052, GCAG replaced by T on the plus strand (CTGC replaced by A on the coding strand, the reverse complement: GNE is on the minus strand). VCF-style: chr9-36229049-GCAG-T. GRCh37 (hg19) VCF-style: chr9-36229046-GCAG-T.
Other names: c.1132_1135delinsA, p.Leu378_His379delinsAsn (NM_001128227.3); c.1039_1042delinsA, p.Leu347_His348delinsAsn (NM_001190383.3); c.709_712delinsA, p.Leu237_His238delinsAsn (NM_001190384.3); c.862_865delinsA, p.Leu288_His289delinsAsn (NM_001190388.2, NM_001374798.1); c.886_889delinsA, p.Leu296_His297delinsAsn (NM_001374797.1).
Identifiers: ClinVar variation 558730 (VCV000558730.4), dbSNP rs1554660095, ClinGen allele CA658822295.